The following is an entry in ClinVar:

ClinVar aggregate classification (germline): Pathogenic/Likely pathogenic. Review status: criteria provided, multiple submitters, no conflicts (2 of 4 stars). 5 submissions from 5 submitters: Pathogenic (2); Likely pathogenic (1). 2 of the submissions do not count toward it. Last evaluated 2024-08-27.

Conditions:
beta Thalassemia (BTHAL). Also called: Cooley's anemia; Erythroblastic anemia; Mediterranean anemia. Identifiers: Orphanet 848, MedGen C0005283, MONDO:0019402. Disease mechanism: loss of function.
Beta thalassemia intermedia (BTHAL-ITMD). Identifiers: Orphanet 231222, MedGen C0472767, MONDO:0016487.

Submissions (5):

Natera, Inc.
Classification: Pathogenic for Beta thalassemia. Last evaluated: 2024-08-27. Review status: criteria provided, single submitter. Criteria: Natera Variant Classification Schema (03/2026). Collection method: clinical testing. Allele origin: germline.
Comment: The c.*6C>G variant in HBB is a 3' untranslated region (UTR) variant located downstream of the translation stop codon. This variant is rare in the general population with a frequency below the threshold expected for the associated phenotype(s). This variant has been observed in one or more individuals affected with the associated recessive disease, as either homozygous or compound heterozygous with a second variant (PMID: 25155404, 17654503, 9792288). This variant has been identified in one or more affected individual with a phenotype highly consistent with the associated gene (PMID: 25155404, 17654503, 9792288). Given the available evidence, this variant is classified as Pathogenic.

Women's Health and Genetics/Laboratory Corporation of America, LabCorp
Classification: Pathogenic for Beta thalassemia intermedia. Last evaluated: 2022-05-20. Review status: criteria provided, single submitter. Criteria: LabCorp Variant Classification Summary - May 2015. Collection method: clinical testing. Allele origin: germline.
Comment: Variant summary: HBB c.*6C>G is located in the untranslated mRNA region downstream of the termination codon. The variant allele was found at a frequency of 4e-06 in 251382 control chromosomes. This frequency is not higher than the estimated maximum expected for a pathogenic variant in HBB causing Beta Thalassemia Intermedia (0.011), allowing no conclusion about variant significance. The variant c.*6C>G (aka. +1480T>G) has been reported in the literature in multiple individuals affected with Beta Thalassemia Intermedia (e.g. Maragoudaki_1998, Jankovic_1991, Aldemir_2014). These data indicate that the variant is very likely to be associated with disease. Publications also reported in vitro experimental evidence evaluating the variant impact, and demonstrated about 20-40% reduction in mRNA levels associated with variant compared to normal beta-globin alleles (Maragoudaki_1998, Sgourou_2002), while another study showed a slightly higher (1.1 fold) levels of expression than WT (Hino_2012). One reputable database has submitted clinical-significance assessments for this variant to ClinVar after 2014 and classified the variant as pathogenic. Based on the evidence outlined above, the variant was classified as pathogenic.

Labcorp Genetics (formerly Invitae), Labcorp
Classification: Likely pathogenic. Last evaluated: 2022-01-20. Review status: criteria provided, single submitter. Criteria: Invitae Variant Classification Sherloc (09022015). Collection method: clinical testing. Allele origin: germline.
Comment: In summary, the currently available evidence indicates that the variant is pathogenic, but additional data are needed to prove that conclusively. Therefore, this variant has been classified as Likely Pathogenic. This variant occurs in a non-coding region of the HBB gene. It does not change the encoded amino acid sequence of the HBB protein. This variant is present in population databases (rs34809925, gnomAD 0.0009%). This variant has been observed in individual(s) with autosomal recessive beta-thalassemia (PMID: 1777603, 9792288). In at least one individual the data is consistent with being in trans (on the opposite chromosome) from a pathogenic variant. This variant is also known as term +6C>G or +1480C>G. ClinVar contains an entry for this variant (Variation ID: 393707). Studies have shown that this variant does not significantly alter or has an unclear effect on HBB gene expression (PMID: 9792288, 22734587).

The ITHANET community portal, The Cyprus Institute of Neurology and Genetics
Classification: Pathogenic for beta Thalassemia. Last evaluated: 2019-11-25. Review status: no assertion criteria provided. Collection method: curation. Allele origin: germline. Not counted in ClinVar's aggregate classification.

GeneReviews
No classification provided. Condition: beta Thalassemia. Review status: no classification provided. Collection method: literature only. Allele origin: germline. Not counted in ClinVar's aggregate classification.

Literature cited by the submitters: PubMed 25155404 (cited by Natera, Inc. and Women's Health and Genetics/Laboratory Corporation of America, LabCorp); PubMed 17654503 (cited by Natera, Inc.); PubMed 9792288 (cited by 4 submitters); PubMed 1777603 (cited by 3 submitters); PubMed 10606872 (cited by Women's Health and Genetics/Laboratory Corporation of America, LabCorp); PubMed 22734587 (cited by Women's Health and Genetics/Laboratory Corporation of America, LabCorp and Labcorp Genetics (formerly Invitae), Labcorp); PubMed 12139763 (cited by Women's Health and Genetics/Laboratory Corporation of America, LabCorp); NCBI Bookshelf NBK1426 (cited by GeneReviews).

NM_000518.5(HBB):c.*6C>G

Genes: HBB (hemoglobin subunit beta; minus strand), LOC107133510 (origin of replication at HBB; plus strand), LOC110006319 (beta-globin gene 3' regulatory region; plus strand). Cytogenetic location: 11p15.4.
Variant type: single nucleotide variant.
Coding change: c.*6C>G on transcript NM_000518.5 (MANE Select); 6 bases downstream of the stop codon, C replaced by G.
Molecular consequence: 3 prime UTR variant.
Genome position (GRCh38, 1-based): chr11:5,225,592, G>C on the plus strand (C>G on the coding strand, the complement: HBB is on the minus strand). VCF-style: chr11-5225592-G-C. GRCh37 (hg19) VCF-style: chr11-5246822-G-C.
Other names: +6C>G; Terminal CD +6 C>G [CAP +1480].
Identifiers: ClinVar variation 393707 (VCV000393707.12), dbSNP rs34809925, ClinGen allele CA16609382.